The following is an entry in ClinVar:

NM_000057.4(BLM):c.2080G>A (p.Gly694Ser)

Gene: BLM (BLM RecQ like helicase; plus strand). Cytogenetic location: 15q26.1.
Variant type: single nucleotide variant.
Coding change: c.2080G>A on transcript NM_000057.4 (MANE Select); coding-DNA position 2080, G replaced by A.
Protein change: p.Gly694Ser; replaces glycine 694 with serine.
Molecular consequence: missense variant.
Genome position (GRCh38, 1-based): chr15:90,765,301, G>A. VCF-style: chr15-90765301-G-A. GRCh37 (hg19) VCF-style: chr15-91308531-G-A.
Other names: c.2080G>A, p.Gly694Ser (NM_001287246.2, NM_001287247.2); c.955G>A, p.Gly319Ser (NM_001287248.2); short protein forms G694S, G319S.
Identifiers: ClinVar variation 4706256 (VCV004706256.1).

ClinVar aggregate classification (germline): Uncertain significance (1 of 4 stars; one submission).

Conditions:
Bloom syndrome (BLM). Also called: Bloom-Torre-Machacek syndrome. Identifiers: Orphanet 125, MedGen C0005859, MONDO:0008876, OMIM 210900.

gnomAD v4.1: 1 of 1,603,702 alleles (0.000062%); highest among the groups gnomAD compares: Non-Finnish European, 0.000085%; no homozygotes.

Submission:

Labcorp Genetics (formerly Invitae), Labcorp
Classification: Uncertain significance for Bloom syndrome. Last evaluated: 2025-06-05. Review status: criteria provided, single submitter. Criteria: Invitae Variant Classification Sherloc (09022015). Collection method: clinical testing. Allele origin: germline.
Comment: This sequence change replaces glycine, which is neutral and non-polar, with serine, which is neutral and polar, at codon 694 of the BLM protein (p.Gly694Ser). This variant is not present in population databases (gnomAD no frequency). This variant has not been reported in the literature in individuals affected with BLM-related conditions. Invitae Evidence Modeling of protein sequence and biophysical properties (such as structural, functional, and spatial information, amino acid conservation, physicochemical variation, residue mobility, and thermodynamic stability) indicates that this missense variant is expected to disrupt BLM protein function with a positive predictive value of 80%. In summary, the available evidence is currently insufficient to determine the role of this variant in disease. Therefore, it has been classified as a Variant of Uncertain Significance.